The following is an entry in ClinVar:

NM_177438.3(DICER1):c.4294C>G (p.Pro1432Ala)

Gene: DICER1 (dicer 1, ribonuclease III; minus strand). Cytogenetic location: 14q32.13.
Variant type: single nucleotide variant.
Coding change: c.4294C>G on transcript NM_177438.3 (MANE Select); coding-DNA position 4294, C replaced by G.
Protein change: p.Pro1432Ala; replaces proline 1432 with alanine.
Molecular consequence: missense variant.
Genome position (GRCh38, 1-based): chr14:95,096,626, G>C on the plus strand (C>G on the coding strand, the complement: DICER1 is on the minus strand). VCF-style: chr14-95096626-G-C. GRCh37 (hg19) VCF-style: chr14-95562963-G-C.
Other names: c.4294C>G, p.Pro1432Ala (NM_001195573.1, NM_001271282.3, NM_001291628.2 and 1 more transcripts); short protein forms P1432A.
Identifiers: ClinVar variation 483427 (VCV000483427.5), dbSNP rs1555367862, ClinGen allele CA390869490.
Genomic context (GRCh38, chr14:95,096,626, plus strand): 5'-ATCTGATATGTTCCTGATCATACTCCAGGAAATCATCTTCATAGTCAGCCTCTTCCTTCG[G>C]AGCCCTCCACATCAGGCTCTCCTCCTCCTCATCCTCCTCCTCGTAATCCTCATCCAGTTT-3'
Protein context (NP_803187.1, residues 1422-1442): EEEESLMWRA[Pro1432Ala]KEEADYEDDF

ClinVar aggregate classification (germline): Uncertain significance (1 of 4 stars; one submission).

Conditions:
Hereditary cancer-predisposing syndrome. Also called: Neoplastic Syndromes, Hereditary; Tumor predisposition; Hereditary Cancer Syndrome; Hereditary neoplastic syndrome. Identifiers: Orphanet 140162, MedGen C0027672, MeSH D009386, MONDO:0015356.

Submission:

Ambry Genetics
Classification: Uncertain significance for Hereditary cancer-predisposing syndrome. Last evaluated: 2017-04-14. Review status: criteria provided, single submitter. Criteria: Ambry Variant Classification Scheme 2023. Collection method: clinical testing. Allele origin: germline.
Comment: The p.P1432A variant (also known as c.4294C>G), located in coding exon 22 of the DICER1 gene, results from a C to G substitution at nucleotide position 4294. The proline at codon 1432 is replaced by alanine, an amino acid with highly similar properties. This amino acid position is highly conserved in available vertebrate species. In addition, the in silico prediction for this alteration is inconclusive. Since supporting evidence is limited at this time, the clinical significance of this alteration remains unclear.